The following is an entry in ClinVar:

ClinVar aggregate classification (germline): Uncertain significance (1 of 4 stars; one submission).

Conditions:
Epidermolysis bullosa simplex with nail dystrophy (EBS5D). Identifiers: MedGen C4225309, MONDO:0014661, OMIM 616487.
Epidermolysis bullosa simplex 5C, with pyloric atresia (EBS5C). Also called: PLEC-Related Epidermolysis Bullosa with Pyloric Atresia; Epidermolysis bullosa simplex with pyloric atresia; PLEC1-Related Epidermolysis Bullosa with Pyloric Atresia. Identifiers: Orphanet 158684, MedGen C2677349, MONDO:0012807, OMIM 612138.
Epidermolysis bullosa simplex 5B, with muscular dystrophy (EBS5B). Also called: Epidermolysis bullosa simplex with muscular dystrophy; EPIDERMOLYSIS BULLOSA SIMPLEX AND LIMB-GIRDLE MUSCULAR DYSTROPHY. Identifiers: Orphanet 257, MedGen C2931072, MONDO:0009181, OMIM 226670.
Epidermolysis bullosa simplex, Ogna type (EBS5A). Also called: Pidermolysis bullosa simplex 5A, Ogna type; EPIDERMOLYSIS BULLOSA SIMPLEX 5A, OGNA TYPE. Identifiers: Orphanet 79401, MedGen C0432317, MONDO:0007555, OMIM 131950.
Autosomal recessive limb-girdle muscular dystrophy type 2Q (LGMDR17). Also called: MUSCULAR DYSTROPHY, LIMB-GIRDLE, AUTOSOMAL RECESSIVE 17. Identifiers: Orphanet 254361, MedGen C3150989, MONDO:0013390, OMIM 613723.

Allele frequency attached by ClinVar (database versions not stated): gnomAD exomes below 0.00001; ExAC 0.00001.

Submission:

Labcorp Genetics (formerly Invitae), Labcorp
Classification: Uncertain significance for Autosomal recessive limb-girdle muscular dystrophy type 2Q; Epidermolysis bullosa simplex, Ogna type; Epidermolysis bullosa simplex with nail dystrophy; Epidermolysis bullosa simplex 5C, with pyloric atresia; Epidermolysis bullosa simplex 5B, with muscular dystrophy. Last evaluated: 2020-02-17. Review status: criteria provided, single submitter. Criteria: Invitae Variant Classification Sherloc (09022015). Collection method: clinical testing. Allele origin: germline.
Comment: This sequence change replaces alanine with threonine at codon 2177 of the PLEC protein (p.Ala2177Thr). The alanine residue is highly conserved and there is a small physicochemical difference between alanine and threonine. This variant is present in population databases (rs781879978, ExAC 0.002%). This variant has not been reported in the literature in individuals with PLEC-related conditions. Algorithms developed to predict the effect of missense changes on protein structure and function are either unavailable or do not agree on the potential impact of this missense change (SIFT: "Tolerated"; PolyPhen-2: "Possibly Damaging"; Align-GVGD: "Class C0"). In summary, the available evidence is currently insufficient to determine the role of this variant in disease. Therefore, it has been classified as a Variant of Uncertain Significance.

NM_201384.3(PLEC):c.6448G>A (p.Ala2150Thr)

Gene: PLEC (plectin; minus strand). Cytogenetic location: 8q24.3.
Variant type: single nucleotide variant.
Coding change: c.6448G>A on transcript NM_201384.3 (MANE Select); coding-DNA position 6448, G replaced by A.
Protein change: p.Ala2150Thr; replaces alanine 2150 with threonine.
Molecular consequence: missense variant.
Genome position (GRCh38, 1-based): chr8:143,923,481, C>T on the plus strand (G>A on the coding strand, the complement: PLEC is on the minus strand). VCF-style: chr8-143923481-C-T. GRCh37 (hg19) VCF-style: chr8-144997649-C-T.
Other names: c.6352G>A, p.Ala2118Thr (NM_201381.3); c.6448G>A, p.Ala2150Thr (NM_201382.4); c.6460G>A, p.Ala2154Thr (NM_201383.3); c.6529G>A, p.Ala2177Thr (NM_000445.5); c.6406G>A, p.Ala2136Thr (NM_201378.4); c.6382G>A, p.Ala2128Thr (NM_201379.3); c.6859G>A, p.Ala2287Thr (NM_201380.4); short protein forms A2118T, A2128T, A2136T, A2150T, A2154T, A2177T, A2287T.
Identifiers: ClinVar variation 1061110 (VCV001061110.5), dbSNP rs781879978, ClinGen allele CA4925986.